The following is an entry in ClinVar:

NM_001394062.1(MACF1):c.5166A>T (p.Glu1722Asp)

Gene: MACF1 (microtubule actin crosslinking factor 1; plus strand). Cytogenetic location: 1p34.3.
Variant type: single nucleotide variant.
Coding change: c.5166A>T on transcript NM_001394062.1 (MANE Select); coding-DNA position 5166, A replaced by T.
Protein change: p.Glu1722Asp; replaces glutamic acid 1722 with aspartic acid.
Molecular consequence: missense variant. On other transcripts: intron variant (1).
Genome position (GRCh38, 1-based): chr1:39,331,754, A>T. VCF-style: chr1-39331754-A-T. GRCh37 (hg19) VCF-style: chr1-39797426-A-T.
Other names: c.4629+4401A>T (NM_012090.5); short protein forms E1722D.
Identifiers: ClinVar variation 3234815 (VCV003234815.20), dbSNP rs769890208, ClinGen allele CA780418.

ClinVar aggregate classification (germline): Likely benign (1 of 4 stars; one submission).

Allele frequency attached by ClinVar (database versions not stated): ExAC 0.00001; gnomAD exomes 0.00001; gnomAD 0.00006; TOPMed 0.00007.
gnomAD v4.1: 18 of 1,614,092 alleles (0.0011%); highest among the groups gnomAD compares: African/African-American, 0.023%; no homozygotes.

Submission:

CeGaT Center for Human Genetics Tuebingen
Classification: Likely benign. Last evaluated: 2024-04-01. Review status: criteria provided, single submitter. Criteria: CeGaT Center For Human Genetics Tuebingen Variant Classification Criteria Version 2. Collection method: clinical testing. Allele origin: germline. Affected: yes. Observed: 1 variant allele.
Comment: MACF1: BP4, BS2